The following is an entry in ClinVar:

NM_001378454.1(ALMS1):c.6514C>T (p.Leu2172Phe)

Gene: ALMS1 (ALMS1 centrosome and basal body associated protein; plus strand). Cytogenetic location: 2p13.1.
Variant type: single nucleotide variant.
Coding change: c.6514C>T on transcript NM_001378454.1 (MANE Select); coding-DNA position 6514, C replaced by T.
Protein change: p.Leu2172Phe; replaces leucine 2172 with phenylalanine.
Molecular consequence: missense variant.
Genome position (GRCh38, 1-based): chr2:73,453,041, C>T. VCF-style: chr2-73453041-C-T. GRCh37 (hg19) VCF-style: chr2-73680168-C-T.
Other names: c.6517C>T, p.Leu2173Phe (NM_015120.4); short protein forms L2172F, L2173F.
Identifiers: ClinVar variation 2159808 (VCV002159808.2), dbSNP rs1369555064, ClinGen allele CA347288312.

ClinVar aggregate classification (germline): Uncertain significance. Review status: criteria provided, multiple submitters, no conflicts (2 of 4 stars). 2 submissions from 2 submitters: Uncertain significance (2). Last evaluated 2026-04-03.

Conditions:
Alstrom syndrome (ALMS). Identifiers: Orphanet 64, MedGen C0268425, MONDO:0008763, OMIM 203800.

Allele frequency attached by ClinVar (database versions not stated): gnomAD 0.00001.
gnomAD v4.1: 3 of 1,613,620 alleles (0.00019%); highest among the groups gnomAD compares: African/African-American, 0.0013%; no homozygotes.

Submissions (2):

Women's Health and Genetics/Laboratory Corporation of America, LabCorp
Classification: Uncertain significance. Last evaluated: 2026-04-03. Review status: criteria provided, single submitter. Criteria: LabCorp Variant Classification Summary - May 2015. Collection method: clinical testing. Allele origin: germline.

Labcorp Genetics (formerly Invitae), Labcorp
Classification: Uncertain significance for Alstrom syndrome. Last evaluated: 2022-06-28. Review status: criteria provided, single submitter. Criteria: Invitae Variant Classification Sherloc (09022015). Collection method: clinical testing. Allele origin: germline.
Comment: This sequence change replaces leucine, which is neutral and non-polar, with phenylalanine, which is neutral and non-polar, at codon 2173 of the ALMS1 protein (p.Leu2173Phe). This variant is not present in population databases (gnomAD no frequency). This variant has not been reported in the literature in individuals affected with ALMS1-related conditions. Experimental studies and prediction algorithms are not available or were not evaluated, and the functional significance of this variant is currently unknown. In summary, the available evidence is currently insufficient to determine the role of this variant in disease. Therefore, it has been classified as a Variant of Uncertain Significance.